The following is an entry in ClinVar:

ClinVar aggregate classification (germline): Uncertain significance (1 of 4 stars; one submission).

Submission:

GeneDx
Classification: Uncertain significance. Last evaluated: 2023-03-06. Review status: criteria provided, single submitter. Criteria: GeneDx Variant Classification Process June 2021. Collection method: clinical testing. Allele origin: germline. Affected: yes.
Comment: Not observed at significant frequency in large population cohorts (gnomAD); In silico analysis supports that this missense variant has a deleterious effect on protein structure/function; Occurs in the triple helical domain at the Y position in the canonical Gly-X-Y repeat; although this variant may have an effect on normal protein folding and function, missense substitution at the Y position is not a common mechanism of disease; Has not been previously published as pathogenic or benign to our knowledge

NM_000092.5(COL4A4):c.3816A>T (p.Arg1272Ser)

Gene: COL4A4 (collagen type IV alpha 4 chain; minus strand). Cytogenetic location: 2q36.3.
Variant type: single nucleotide variant.
Coding change: c.3816A>T on transcript NM_000092.5 (MANE Select); coding-DNA position 3816, A replaced by T.
Protein change: p.Arg1272Ser; replaces arginine 1272 with serine.
Molecular consequence: missense variant.
Genome position (GRCh38, 1-based): chr2:227,031,946, T>A on the plus strand (A>T on the coding strand, the complement: COL4A4 is on the minus strand). VCF-style: chr2-227031946-T-A. GRCh37 (hg19) VCF-style: chr2-227896662-T-A.
Other names: short protein forms R1272S.
Identifiers: ClinVar variation 2579513 (VCV002579513.1), dbSNP rs2473337586, ClinGen allele CA350837494.